The following is an entry in ClinVar:

NM_004855.5(PIGB):c.622T>C (p.Tyr208His)

Gene: PIGB (phosphatidylinositol glycan anchor biosynthesis class B; plus strand). Cytogenetic location: 15q21.3.
Variant type: single nucleotide variant.
Coding change: c.622T>C on transcript NM_004855.5 (MANE Select); coding-DNA position 622, T replaced by C.
Protein change: p.Tyr208His; replaces tyrosine 208 with histidine.
Molecular consequence: missense variant.
Genome position (GRCh38, 1-based): chr15:55,329,823, T>C. VCF-style: chr15-55329823-T-C. GRCh37 (hg19) VCF-style: chr15-55622021-T-C.
Other names: short protein forms Y208H.
Identifiers: ClinVar variation 1898331 (VCV001898331.5), dbSNP rs906576350, ClinGen allele CA270780299.
Genomic context (GRCh38, chr15:55,329,823, plus strand): 5'-TGTACCAGAACCCTTACAAACACCATGGAAACTGTTCTCACTATAATTGCTCTTTTCTAC[T>C]ATCCTTTGGAAGGTTCAAAGTCTATGAACAGGTAAGAAAAATTATTGTTAATAATTATGT-3'
Protein context (NP_004846.4, residues 198-218): TVLTIIALFY[Tyr208His]PLEGSKSMNS

ClinVar aggregate classification (germline): Uncertain significance (1 of 4 stars; one submission).

Allele frequency attached by ClinVar (database versions not stated): gnomAD exomes below 0.00001; gnomAD 0.00001; TOPMed 0.00002.
gnomAD v4.1: 2 of 1,599,714 alleles (0.00013%); highest among the groups gnomAD compares: African/African-American, 0.0027%; no homozygotes.

Submission:

Labcorp Genetics (formerly Invitae), Labcorp
Classification: Uncertain significance. Last evaluated: 2021-12-29. Review status: criteria provided, single submitter. Criteria: Invitae Variant Classification Sherloc (09022015). Collection method: clinical testing. Allele origin: germline.
Comment: In summary, the available evidence is currently insufficient to determine the role of this variant in disease. Therefore, it has been classified as a Variant of Uncertain Significance. Algorithms developed to predict the effect of missense changes on protein structure and function (SIFT, PolyPhen-2, Align-GVGD) all suggest that this variant is likely to be disruptive. This variant has not been reported in the literature in individuals affected with PIGB-related conditions. This variant is present in population databases (no rsID available, gnomAD 0.007%). This sequence change replaces tyrosine, which is neutral and polar, with histidine, which is basic and polar, at codon 208 of the PIGB protein (p.Tyr208His).